The following is an entry in ClinVar:

NM_006019.4(TCIRG1):c.880G>T (p.Val294Leu)

Gene: TCIRG1 (T cell immune regulator 1, ATPase H+ transporting V0 subunit a3; plus strand). Cytogenetic location: 11q13.2.
Variant type: single nucleotide variant.
Coding change: c.880G>T on transcript NM_006019.4 (MANE Select); coding-DNA position 880, G replaced by T.
Protein change: p.Val294Leu; replaces valine 294 with leucine.
Molecular consequence: missense variant. On other transcripts: 5 prime UTR variant (1).
Genome position (GRCh38, 1-based): chr11:68,044,204, G>T. VCF-style: chr11-68044204-G-T. GRCh37 (hg19) VCF-style: chr11-67811671-G-T.
Other names: c.-15G>T (NM_001351059.2); c.232G>T, p.Val78Leu (NM_006053.4); short protein forms V294L, V78L.
Identifiers: ClinVar variation 1942928 (VCV001942928.2), dbSNP rs1337694224, ClinGen allele CA381580205.
Genomic context (GRCh38, chr11:68,044,204, plus strand): 5'-ACAGAGCGGTTCCTGAGCCAGGTGCTAGGCCGGGTGCTGCAGCTGCTGCCGCCAGGGCAG[G>T]TGCAGGTCCACAAGATGAAGGCCGTGTACCTGGCCCTGAACCAGTGCAGCGTGAGCACCA-3'
Protein context (NP_006010.2, residues 284-304): RVLQLLPPGQ[Val294Leu]QVHKMKAVYL

ClinVar aggregate classification (germline): Uncertain significance (1 of 4 stars; one submission).

Allele frequency attached by ClinVar (database versions not stated): gnomAD exomes 0.00001.
gnomAD v4.1: 5 of 1,565,370 alleles (0.00032%); highest among the groups gnomAD compares: Admixed American, 0.0038%; no homozygotes.

Submission:

Labcorp Genetics (formerly Invitae), Labcorp
Classification: Uncertain significance. Last evaluated: 2022-05-03. Review status: criteria provided, single submitter. Criteria: Invitae Variant Classification Sherloc (09022015). Collection method: clinical testing. Allele origin: germline.
Comment: This sequence change replaces valine, which is neutral and non-polar, with leucine, which is neutral and non-polar, at codon 294 of the TCIRG1 protein (p.Val294Leu). The frequency data for this variant in the population databases is considered unreliable, as metrics indicate poor data quality at this position in the gnomAD database. This variant has not been reported in the literature in individuals affected with TCIRG1-related conditions. Algorithms developed to predict the effect of missense changes on protein structure and function (SIFT, PolyPhen-2, Align-GVGD) all suggest that this variant is likely to be tolerated. In summary, the available evidence is currently insufficient to determine the role of this variant in disease. Therefore, it has been classified as a Variant of Uncertain Significance.